The following is an entry in ClinVar:

NM_002863.5(PYGL):c.2017G>A (p.Glu673Lys)

Gene: PYGL (glycogen phosphorylase L; minus strand). Cytogenetic location: 14q22.1.
Variant type: single nucleotide variant.
Coding change: c.2017G>A on transcript NM_002863.5 (MANE Select); coding-DNA position 2017, G replaced by A.
Protein change: p.Glu673Lys; replaces glutamic acid 673 with lysine.
Molecular consequence: missense variant.
Genome position (GRCh38, 1-based): chr14:50,910,055, C>T on the plus strand (G>A on the coding strand, the complement: PYGL is on the minus strand). VCF-style: chr14-50910055-C-T. GRCh37 (hg19) VCF-style: chr14-51376773-C-T.
Other names: c.1915G>A, p.Glu639Lys (NM_001163940.2); c.2017G>A (NM_002863.4); short protein forms E673K, E639K.
Identifiers: ClinVar variation 21332 (VCV000021332.14), dbSNP rs113993984, ClinGen allele CA341912.

ClinVar aggregate classification (germline): Conflicting classifications of pathogenicity. Review status: criteria provided, conflicting classifications (1 of 4 stars). 5 submissions from 5 submitters: Likely pathogenic (1); Uncertain significance (3). 1 of the submissions does not count toward it. Last evaluated 2024-12-27.

Conditions:
PYGL-related disorder. Also called: PYGL-related condition.
Glycogen storage disease, type VI (GSD6). Also called: HERS DISEASE; PHOSPHORYLASE DEFICIENCY GLYCOGEN-STORAGE DISEASE OF LIVER; Glycogen storage disease type 6, due to phosphorylation; GSD VI; Glycogen storage disease type 6; Hepatic glycogen phosphorylase deficiency. Identifiers: Orphanet 369, MedGen C0017925, MONDO:0009294, OMIM 232700.

Allele frequency attached by ClinVar (database versions not stated): TOPMed 0.00002; gnomAD 0.00003; gnomAD exomes 0.00003 and 0.00004; ExAC 0.00005.

Submissions (5):

PreventionGenetics, part of Exact Sciences
Classification: Likely pathogenic for PYGL-related condition. Last evaluated: 2024-12-27. Review status: criteria provided, single submitter. Criteria: ACMG Guidelines, 2015. Collection method: clinical testing. Allele origin: germline.
Comment: The PYGL c.2017G>A variant is predicted to result in the amino acid substitution p.Glu673Lys. This variant has been reported in the homozygous and compound heterozygous states along with a truncating variant in individuals with glycogen storage disease (Beauchamp et al. 2007. PubMed ID: 17705025; Kumar et al. 2022. PubMed ID: 35834487). This variant is reported in 0.0070% of alleles in individuals of European (Non-Finnish) descent in gnomAD. This variant is interpreted as likely pathogenic.

Fulgent Genetics
Classification: Uncertain significance for Glycogen storage disease, type VI. Last evaluated: 2024-06-11. Review status: criteria provided, single submitter. Criteria: ACMG Guidelines, 2015. Collection method: clinical testing. Allele origin: germline.

Labcorp Genetics (formerly Invitae), Labcorp
Classification: Uncertain significance for Glycogen storage disease, type VI. Last evaluated: 2021-07-11. Review status: criteria provided, single submitter. Criteria: Invitae Variant Classification Sherloc (09022015). Collection method: clinical testing. Allele origin: germline.
Comment: This variant has been observed in individual(s) with glycogen storage disease type VI (PMID: 17705025). ClinVar contains an entry for this variant (Variation ID: 21332). This variant is present in population databases (rs113993984, ExAC 0.02%). This sequence change replaces glutamic acid with lysine at codon 673 of the PYGL protein (p.Glu673Lys). The glutamic acid residue is highly conserved and there is a small physicochemical difference between glutamic acid and lysine. Algorithms developed to predict the effect of missense changes on protein structure and function (SIFT, PolyPhen-2, Align-GVGD) all suggest that this variant is likely to be disruptive. In summary, the available evidence is currently insufficient to determine the role of this variant in disease. Therefore, it has been classified as a Variant of Uncertain Significance.

Centre for Human Genetics
Classification: Uncertain significance for Glycogen storage disease, type VI. Last evaluated: 2020-08-27. Review status: criteria provided, single submitter. Criteria: ACMG Guidelines, 2015. Collection method: clinical testing. Allele origin: inherited. Inheritance: Autosomal recessive inheritance. Affected: yes. Observed: 1 variant allele.
Comment: disease causing

GeneReviews
No classification provided. Condition: Glycogen storage disease, type VI. Review status: no classification provided. Collection method: literature only. Allele origin: unknown. Not counted in ClinVar's aggregate classification.

Literature cited by the submitters: PubMed 17705025 (cited by Labcorp Genetics (formerly Invitae), Labcorp and GeneReviews); PubMed 20301760 (cited by GeneReviews); NCBI Bookshelf NBK5941 (cited by GeneReviews).